The following is an entry in ClinVar:

ClinVar aggregate classification (germline): Conflicting classifications of pathogenicity. Review status: criteria provided, conflicting classifications (1 of 4 stars). 9 submissions from 9 submitters: Uncertain significance (1); Likely benign (6). 2 of the submissions do not count toward it. Last evaluated 2026-01-14.

Conditions:
TTN-related disorder. Also called: TTN-related disorders; TTN-related condition; TTN-related disease.
Cardiovascular phenotype. Identifiers: MedGen CN230736.
Autosomal recessive limb-girdle muscular dystrophy type 2J (LGMDR10). Also called: MUSCULAR DYSTROPHY, LIMB-GIRDLE, AUTOSOMAL RECESSIVE 10; Limb-girdle muscular dystrophy, type 2J. Identifiers: Orphanet 140922, MedGen C1837342, MONDO:0012127, OMIM 608807.
Dilated cardiomyopathy 1G (CMD1G). Identifiers: Orphanet 154, MedGen C1858763, MONDO:0011400, OMIM 604145.

Allele frequency attached by ClinVar (database versions not stated): gnomAD exomes 0.00005 and 0.00002; ESP Exome Variant Server 0.00008; TOPMed 0.00024; gnomAD 0.00026; 1000 Genomes Project 30x 0.00047; 1000 Genomes Project 0.00060; ExAC 0.00004.

Submissions (9):

Labcorp Genetics (formerly Invitae), Labcorp
Classification: Likely benign for Dilated cardiomyopathy 1G; Autosomal recessive limb-girdle muscular dystrophy type 2J. Last evaluated: 2026-01-14. Review status: criteria provided, single submitter. Criteria: Invitae Variant Classification Sherloc (09022015). Collection method: clinical testing. Allele origin: germline.

PreventionGenetics, part of Exact Sciences
Classification: Likely benign for TTN-related condition. Last evaluated: 2025-03-08. Review status: criteria provided, single submitter. Criteria: ACMG Guidelines, 2015. Collection method: clinical testing. Allele origin: germline.
Comment: This variant is classified as likely benign based on ACMG/AMP sequence variant interpretation guidelines (Richards et al. 2015 PMID: 25741868, with internal and published modifications).

Blueprint Genetics
Classification: Likely benign. Last evaluated: 2024-11-06. Review status: criteria provided, single submitter. Criteria: ACMG Guidelines, 2015. Collection method: clinical testing. Allele origin: germline.

CeGaT Center for Human Genetics Tuebingen
Classification: Likely benign. Last evaluated: 2024-08-01. Review status: criteria provided, single submitter. Criteria: CeGaT Center For Human Genetics Tuebingen Variant Classification Criteria Version 2. Collection method: clinical testing. Allele origin: germline. Affected: yes. Observed: 1 variant allele.
Comment: TTN: BP4, BP7

GeneDx
Classification: Likely benign. Last evaluated: 2019-10-09. Review status: criteria provided, single submitter. Criteria: GeneDx Variant Classification Process June 2021. Collection method: clinical testing. Allele origin: germline. Affected: yes.
Comment: This variant is associated with the following publications: (PMID: 17344846)

Ambry Genetics
Classification: Likely benign for Cardiovascular phenotype. Last evaluated: 2019-08-06. Review status: criteria provided, single submitter. Criteria: Ambry Variant Classification Scheme 2023. Collection method: clinical testing. Allele origin: germline.

Eurofins Ntd Llc (ga)
Classification: Uncertain significance. Last evaluated: 2016-07-08. Review status: criteria provided, single submitter. Criteria: EGL Classification Definitions 2015. Collection method: clinical testing. Allele origin: germline. Observed: 2 variant alleles, 2 heterozygotes.

Clinical Genetics, Academic Medical Center
Classification: Benign. Review status: no assertion criteria provided. Collection method: clinical testing. Allele origin: germline. Affected: yes. Study: VKGL Data-share Consensus. Not counted in ClinVar's aggregate classification.

Joint Genome Diagnostic Labs from Nijmegen and Maastricht, Radboudumc and MUMC+
Classification: Likely benign. Review status: no assertion criteria provided. Collection method: clinical testing. Allele origin: germline. Affected: yes. Study: VKGL Data-share Consensus. Not counted in ClinVar's aggregate classification.

NM_001267550.2(TTN):c.69984G>A (p.Ala23328=)

Genes: TTN (titin; minus strand), TTN-AS1 (TTN antisense RNA 1; plus strand), LOC126806422 (BRD4-independent group 4 enhancer GRCh37_chr2:179440205-179441404; plus strand). Cytogenetic location: 2q31.2.
Variant type: single nucleotide variant.
Coding change: c.69984G>A on transcript NM_001267550.2 (MANE Select); coding-DNA position 69984, G replaced by A.
Protein change: p.Ala23328=; no amino-acid change (alanine 23328 retained).
Molecular consequence: synonymous variant.
Genome position (GRCh38, 1-based): chr2:178,576,148, C>T on the plus strand (G>A on the coding strand, the complement: TTN is on the minus strand). VCF-style: chr2-178576148-C-T. GRCh37 (hg19) VCF-style: chr2-179440875-C-T.
Other names: c.65061G>A, p.Ala21687= (NM_001256850.1); c.42789G>A, p.Ala14263= (NM_003319.4); c.62280G>A, p.Ala20760= (NM_133378.4); c.43164G>A, p.Ala14388= (NM_133432.3); c.43365G>A, p.Ala14455= (NM_133437.4).
Identifiers: ClinVar variation 288075 (VCV000288075.39), dbSNP rs56052239, ClinGen allele CA1990851.
Genomic context (GRCh38, chr2:178,576,148, plus strand): 5'-GGCATCTAGTTCAAAATCAGGAGCCATCTCCCGTTCTACGATTTCAACATCTGGAATCAC[C>T]GCTGGCTCCCCAACACCTGCATCGTTGATGGCACTGATTCTGAAGTTGTATTTTTCTTTA-3'
Protein context (NP_001254479.2, residues 23318-23338): AINDAGVGEP[Ala23328=]VIPDVEIVER